The following is an entry in ClinVar:

NM_005045.4(RELN):c.6310C>T (p.Arg2104Cys)

Gene: RELN (reelin; minus strand). Cytogenetic location: 7q22.1.
Variant type: single nucleotide variant.
Coding change: c.6310C>T on transcript NM_005045.4 (MANE Select); coding-DNA position 6310, C replaced by T.
Protein change: p.Arg2104Cys; replaces arginine 2104 with cysteine.
Molecular consequence: missense variant.
Genome position (GRCh38, 1-based): chr7:103,545,337, G>A on the plus strand (C>T on the coding strand, the complement: RELN is on the minus strand). VCF-style: chr7-103545337-G-A. GRCh37 (hg19) VCF-style: chr7-103185784-G-A.
Other names: c.6310C>T, p.Arg2104Cys (NM_173054.3); short protein forms R2104C.
Identifiers: ClinVar variation 1318764 (VCV001318764.6), dbSNP rs758883183, ClinGen allele CA4420973.

ClinVar aggregate classification (germline): Conflicting classifications of pathogenicity. Review status: criteria provided, conflicting classifications (1 of 4 stars). 3 submissions from 3 submitters: Uncertain significance (2); Likely benign (1). Last evaluated 2024-09-20.

Conditions:
Norman-Roberts syndrome (LIS2). Also called: Lissencephaly 2 (Norman-Roberts type). Identifiers: Orphanet 89844, MedGen C0796089, MONDO:0009760, OMIM 257320.
Familial temporal lobe epilepsy 7. Identifiers: Orphanet 101046, MedGen C4225327, MONDO:0014639, OMIM 616436.

Allele frequency attached by ClinVar (database versions not stated): gnomAD exomes below 0.00001 and 0.00001; ExAC 0.00001; gnomAD 0.00001.
gnomAD v4.1: 22 of 1,609,938 alleles (0.0014%); highest among the groups gnomAD compares: East Asian, 0.018%; no homozygotes.

Submissions (3):

3billion
Classification: Likely benign for Norman-Roberts syndrome. Last evaluated: 2024-09-20. Review status: criteria provided, single submitter. Criteria: ACMG Guidelines, 2015. Collection method: clinical testing. Allele origin: germline. Affected: no.
Comment: The homozygous variant was found in patients diagnosed with another variant in a different gene, with no symptoms related to the gene containing the homozygous variant.

Labcorp Genetics (formerly Invitae), Labcorp
Classification: Uncertain significance for Familial temporal lobe epilepsy 7; Norman-Roberts syndrome. Last evaluated: 2024-02-17. Review status: criteria provided, single submitter. Criteria: Invitae Variant Classification Sherloc (09022015). Collection method: clinical testing. Allele origin: germline.
Comment: This sequence change replaces arginine, which is basic and polar, with cysteine, which is neutral and slightly polar, at codon 2104 of the RELN protein (p.Arg2104Cys). This variant is present in population databases (rs758883183, gnomAD 0.0009%). This variant has not been reported in the literature in individuals affected with RELN-related conditions. ClinVar contains an entry for this variant (Variation ID: 1318764). Advanced modeling of protein sequence and biophysical properties (such as structural, functional, and spatial information, amino acid conservation, physicochemical variation, residue mobility, and thermodynamic stability) has been performed at Invitae for this missense variant, however the output from this modeling did not meet the statistical confidence thresholds required to predict the impact of this variant on RELN protein function. In summary, the available evidence is currently insufficient to determine the role of this variant in disease. Therefore, it has been classified as a Variant of Uncertain Significance.

GeneDx
Classification: Uncertain significance. Last evaluated: 2021-12-04. Review status: criteria provided, single submitter. Criteria: GeneDx Variant Classification Process June 2021. Collection method: clinical testing. Allele origin: germline. Affected: yes.
Comment: Not observed at a significant frequency in large population cohorts (Lek et al., 2016); In silico analysis supports that this missense variant has a deleterious effect on protein structure/function; Has not been previously published as pathogenic or benign to our knowledge